The following is an entry in ClinVar:

NM_000219.6(KCNE1):c.26T>A (p.Val9Glu)

Gene: KCNE1 (potassium voltage-gated channel subfamily E regulatory subunit 1; minus strand). Cytogenetic location: 21q22.12.
Variant type: single nucleotide variant.
Coding change: c.26T>A on transcript NM_000219.6 (MANE Select); coding-DNA position 26, T replaced by A.
Protein change: p.Val9Glu; replaces valine 9 with glutamic acid.
Molecular consequence: missense variant.
Genome position (GRCh38, 1-based): chr21:34,449,609, A>T on the plus strand (T>A on the coding strand, the complement: KCNE1 is on the minus strand). VCF-style: chr21-34449609-A-T. GRCh37 (hg19) VCF-style: chr21-35821907-A-T.
Other names: c.26T>A, p.Val9Glu (NM_001127668.4, NM_001127669.4, NM_001127670.4 and 4 more transcripts); short protein forms V9E.
Identifiers: ClinVar variation 3374463 (VCV003374463.2).

Conditions:
Long QT syndrome 5 (LQT5). Identifiers: Orphanet 101016, Orphanet 768, MedGen C1867904, MONDO:0013372, OMIM 613695.

Submission:

Roden Lab, Vanderbilt University Medical Center
No classification provided (evidence only). Condition: Long QT syndrome 5. Review status: no classification provided. Collection method: in vitro. Allele origin: not applicable. Functional consequence: Effect on ion channel function.
ClinVar note: "not provided" was previously submitted as the classification for the variant. However, the classification appeared to be based only on an observation of functional data so it was converted to no classification on 2025-07-30.